The following is an entry in ClinVar:

ClinVar aggregate classification (germline): Uncertain significance (1 of 4 stars; one submission).

gnomAD v4.1: 2 of 1,613,892 alleles (0.00012%); highest among the groups gnomAD compares: Non-Finnish European, 0.000085%; no homozygotes.

Submission:

Labcorp Genetics (formerly Invitae), Labcorp
Classification: Uncertain significance. Last evaluated: 2022-10-26. Review status: criteria provided, single submitter. Criteria: Invitae Variant Classification Sherloc (09022015). Collection method: clinical testing. Allele origin: germline.
Comment: In summary, the available evidence is currently insufficient to determine the role of this variant in disease. Therefore, it has been classified as a Variant of Uncertain Significance. Advanced modeling of protein sequence and biophysical properties (such as structural, functional, and spatial information, amino acid conservation, physicochemical variation, residue mobility, and thermodynamic stability) performed at Invitae indicates that this missense variant is not expected to disrupt COL2A1 protein function. This variant has not been reported in the literature in individuals affected with COL2A1-related conditions. This variant is not present in population databases (gnomAD no frequency). This sequence change replaces alanine, which is neutral and non-polar, with glycine, which is neutral and non-polar, at codon 691 of the COL2A1 protein (p.Ala691Gly).

NM_001844.5(COL2A1):c.2072C>G (p.Ala691Gly)

Gene: COL2A1 (collagen type II alpha 1 chain; minus strand). Cytogenetic location: 12q13.11.
Variant type: single nucleotide variant.
Coding change: c.2072C>G on transcript NM_001844.5 (MANE Select); coding-DNA position 2072, C replaced by G.
Protein change: p.Ala691Gly; replaces alanine 691 with glycine.
Molecular consequence: missense variant.
Genome position (GRCh38, 1-based): chr12:47,983,115, G>C on the plus strand (C>G on the coding strand, the complement: COL2A1 is on the minus strand). VCF-style: chr12-47983115-G-C. GRCh37 (hg19) VCF-style: chr12-48376898-G-C.
Other names: c.1865C>G, p.Ala622Gly (NM_033150.3); short protein forms A622G, A691G.
Identifiers: ClinVar variation 1965793 (VCV001965793.5), dbSNP rs1025771975, ClinGen allele CA384547514.